The following is an entry in ClinVar:

NM_001012614.2(CTBP1):c.854C>T (p.Pro285Leu)

Genes: CTBP1 (C-terminal binding protein 1; minus strand), CTBP1-AS (CTBP1 antisense RNA; plus strand). Cytogenetic location: 4p16.3.
Variant type: single nucleotide variant.
Coding change: c.854C>T on transcript NM_001012614.2 (MANE Select); coding-DNA position 854, C replaced by T.
Protein change: p.Pro285Leu; replaces proline 285 with leucine.
Molecular consequence: missense variant.
Genome position (GRCh38, 1-based): chr4:1,214,349, G>A on the plus strand (C>T on the coding strand, the complement: CTBP1 is on the minus strand). VCF-style: chr4-1214349-G-A. GRCh37 (hg19) VCF-style: chr4-1208137-G-A.
Other names: c.887C>T, p.Pro296Leu (NM_001328.3, NM_001377186.1); c.854C>T, p.Pro285Leu (NM_001377187.1, NM_001377188.1, NM_001377189.1 and 4 more transcripts); short protein forms P285L, P296L.
Identifiers: ClinVar variation 2672983 (VCV002672983.23), dbSNP rs2535033257, ClinGen allele CA355946650.

ClinVar aggregate classification (germline): Uncertain significance (1 of 4 stars; one submission).

Submission:

CeGaT Center for Human Genetics Tuebingen
Classification: Uncertain significance. Last evaluated: 2023-10-01. Review status: criteria provided, single submitter. Criteria: CeGaT Center For Human Genetics Tuebingen Variant Classification Criteria Version 2. Collection method: clinical testing. Allele origin: germline. Affected: yes. Observed: 1 variant allele.
Comment: CTBP1: PM2, PP3